The following is an entry in ClinVar:

NM_000540.3(RYR1):c.2427_2446dup (p.Pro816fs)

Gene: RYR1 (ryanodine receptor 1; plus strand). Cytogenetic location: 19q13.2.
Variant type: Duplication.
Coding change: c.2427_2446dup on transcript NM_000540.3 (MANE Select); coding-DNA positions 2427 to 2446, 20 bases duplicated (ATGCCATGAGGCTGTGCTCC).
Protein change: p.Pro816fs; shifts the reading frame from proline 816.
Molecular consequence: frameshift variant.
Genome position (GRCh38, 1-based): chr19:38,460,441-38,460,460, ATGCCATGAGGCTGTGCTCC duplicated; duplicating any 20 consecutive bases within chr19:38,460,435-38,460,460 gives the same sequence; the c. name uses the placement nearest the transcript's 3' end. VCF-style (leftmost placement, unchanged base first): chr19-38460434-A-ATGCTCCATGCCATGAGGCTG. GRCh37 (hg19) VCF-style: chr19-38951074-A-ATGCTCCATGCCATGAGGCTG.
Other names: c.2427_2446dup, p.Pro816fs (NM_001042723.2); short protein forms P816fs.
Identifiers: ClinVar variation 1072861 (VCV001072861.9), dbSNP rs1460246826, ClinGen allele CA633066423.
Genomic context (GRCh38, chr19:38,460,434, plus strand): 5'-GGGTGCGGTTCCTCCTTGGTGGCCGCCATGGTGAATTCAAGTTCCTGCCCCCACCTGGCT[A>ATGCTCCATGCCATGAGGCTG]TGCTCCATGCCATGAGGCTGTGCTCCCTCGAGAGCGACTCCATCTTGAACCCATCAAGGA-3'

ClinVar aggregate classification (germline): Conflicting classifications of pathogenicity. Review status: criteria provided, conflicting classifications (1 of 4 stars). 3 submissions from 3 submitters: Pathogenic (2); Uncertain significance (1). Last evaluated 2025-09-12.

Conditions:
RYR1-related disorder. Also called: RYR1-related condition; RYR1-related disorders. Identifiers: MedGen CN239331.
Congenital multicore myopathy with external ophthalmoplegia (CMYO1B). Also called: Minicore myopathy with external ophthalmoplegia; MULTICORE MYOPATHY; MULTIMINICORE DISEASE WITH EXTERNAL OPHTHALMOPLEGIA; Congenital myopathy 1B, autosomal recessive; Minicore myopathy. Identifiers: Orphanet 598, Orphanet 98905, MedGen C1850674, MONDO:0009712, OMIM 255320, HP:0003789.
Malignant hyperthermia, susceptibility to, 1 (MHS1). Also called: RYR1-Related Malignant Hyperthermia Susceptibility; Anesthesia related hyperthermia; Malignant hyperpyrexia; Fulminating hyperpyrexia; Pharmacogenic myopathy; Malignant hyperthermia suceptibility 1. Identifiers: Orphanet 423, MedGen C2930980, MONDO:0007783, OMIM 145600.

Submissions (3):

Color Diagnostics, LLC DBA Color Health
Classification: Uncertain significance for Malignant hyperthermia, susceptibility to, 1. Last evaluated: 2025-09-12. Review status: criteria provided, single submitter. Criteria: ACMG Guidelines, 2015. Collection method: clinical testing. Allele origin: germline.
Comment: This variant inserts 20 nucleotides in exon 20 of the RYR1 gene, creating a frameshift and premature translation stop signal. This variant is expected to result in an absent or non-functional protein product. To our knowledge, this variant has not been reported in individuals affected with autosomal dominant malignant hyperthermia. This variant has been identified in 1/251494 chromosomes in the general population by the Genome Aggregation Database (gnomAD). Loss of RYR1 function due to truncation variants is not an established disease mechanism for autosomal dominant malignant hyperthermia, although it is associated with other phenotype(s) (ClinVar Variation ID: 1072861). Therefore, this variant is classified as a Variant of Uncertain Significance for autosomal dominant malignant hyperthermia.

Labcorp Genetics (formerly Invitae), Labcorp
Classification: Pathogenic for RYR1-related disorder. Last evaluated: 2025-01-19. Review status: criteria provided, single submitter. Criteria: Invitae Variant Classification Sherloc (09022015). Collection method: clinical testing. Allele origin: germline.
Comment: This sequence change creates a premature translational stop signal (p.Pro816Hisfs*75) in the RYR1 gene. It is expected to result in an absent or disrupted protein product. Loss-of-function variants in RYR1 are known to be pathogenic (PMID: 23919265, 25960145, 28818389, 30611313). This variant is present in population databases (no rsID available, gnomAD 0.0009%). This premature translational stop signal has been observed in individual(s) with autosomal recessive congenital myopathy (PMID: 28357410). ClinVar contains an entry for this variant (Variation ID: 1072861). For these reasons, this variant has been classified as Pathogenic.

Institute of Human Genetics Munich, TUM University Hospital
Classification: Pathogenic for Congenital multicore myopathy with external ophthalmoplegia. Last evaluated: 2023-08-17. Review status: criteria provided, single submitter. Criteria: Classification criteria August 2017. Collection method: clinical testing. Allele origin: germline. Inheritance: Autosomal recessive inheritance. Affected: yes. Observed: 1 variant allele.

Literature cited by the submitters: PubMed 23919265 (cited by Labcorp Genetics (formerly Invitae), Labcorp); PubMed 25960145 (cited by Labcorp Genetics (formerly Invitae), Labcorp); PubMed 28818389 (cited by Labcorp Genetics (formerly Invitae), Labcorp); PubMed 30611313 (cited by Labcorp Genetics (formerly Invitae), Labcorp); PubMed 28357410 (cited by Labcorp Genetics (formerly Invitae), Labcorp).